The following is an entry in ClinVar:

ClinVar aggregate classification (germline): Uncertain significance (1 of 4 stars; one submission).

Submission:

Labcorp Genetics (formerly Invitae), Labcorp
Classification: Uncertain significance. Last evaluated: 2025-08-07. Review status: criteria provided, single submitter. Criteria: Invitae Variant Classification Sherloc (09022015). Collection method: clinical testing. Allele origin: germline.
Comment: This sequence change replaces glutamic acid, which is acidic and polar, with alanine, which is neutral and non-polar, at codon 198 of the ADAMTS17 protein (p.Glu198Ala). This variant is not present in population databases (gnomAD no frequency). This variant has not been reported in the literature in individuals affected with ADAMTS17-related conditions. An algorithm developed to predict the effect of missense changes on protein structure and function (PolyPhen-2) suggests that this variant is likely to be tolerated. In summary, the available evidence is currently insufficient to determine the role of this variant in disease. Therefore, it has been classified as a Variant of Uncertain Significance.

NM_139057.4(ADAMTS17):c.593A>C (p.Glu198Ala)

Gene: ADAMTS17 (ADAM metallopeptidase with thrombospondin type 1 motif 17; minus strand). Cytogenetic location: 15q26.3.
Variant type: single nucleotide variant.
Coding change: c.593A>C on transcript NM_139057.4 (MANE Select); coding-DNA position 593, A replaced by C.
Protein change: p.Glu198Ala; replaces glutamic acid 198 with alanine.
Molecular consequence: missense variant.
Genome position (GRCh38, 1-based): chr15:100,330,912, T>G on the plus strand (A>C on the coding strand, the complement: ADAMTS17 is on the minus strand). VCF-style: chr15-100330912-T-G. GRCh37 (hg19) VCF-style: chr15-100871117-T-G.
Other names: short protein forms E198A.
Identifiers: ClinVar variation 4777203 (VCV004777203.1).